The following is an entry in ClinVar:

ClinVar aggregate classification (germline): Uncertain significance (1 of 4 stars; one submission).

Allele frequency attached by ClinVar (database versions not stated): gnomAD exomes below 0.00001; TOPMed below 0.00001.
gnomAD v4.1: 6 of 1,613,700 alleles (0.00037%); highest among the groups gnomAD compares: Non-Finnish European, 0.00051%; no homozygotes.

Submission:

GeneDx
Classification: Uncertain significance. Last evaluated: 2017-07-31. Review status: criteria provided, single submitter. Criteria: GeneDx Variant Classification (06012015). Collection method: clinical testing. Allele origin: germline. Affected: yes.
Comment: The R982G variant has not been published as a pathogenic variant, nor has it been reported as a benign variant to our knowledge. The R982G variant is not observed in large population cohorts (Lek et al., 2016; 1000 Genomes Consortium et al., 2015; Exome Variant Server). This substitution occurs at a position where amino acids with similar properties to Arginine are tolerated across species. However, this variant is a non-conservative amino acid substitution, which is likely to impact secondary protein structure as these residues differ in polarity, charge, size and/or other properties. In silico analysis is inconsistent in its predictions as to whether or not the variant is damaging to the protein structure/function.

NM_001134831.2(AHI1):c.2944A>G (p.Arg982Gly)

Gene: AHI1 (Abelson helper integration site 1; minus strand). Cytogenetic location: 6q23.3.
Variant type: single nucleotide variant.
Coding change: c.2944A>G on transcript NM_001134831.2 (MANE Select); coding-DNA position 2944, A replaced by G.
Protein change: p.Arg982Gly; replaces arginine 982 with glycine.
Molecular consequence: missense variant.
Genome position (GRCh38, 1-based): chr6:135,411,365, T>C on the plus strand (A>G on the coding strand, the complement: AHI1 is on the minus strand). VCF-style: chr6-135411365-T-C. GRCh37 (hg19) VCF-style: chr6-135732503-T-C.
Other names: c.2944A>G, p.Arg982Gly (NM_001134830.2, NM_001134832.2, NM_001350503.2 and 2 more transcripts); short protein forms R982G.
Identifiers: ClinVar variation 450959 (VCV000450959.2), dbSNP rs1554326426, ClinGen allele CA365845819.